The following is an entry in ClinVar:

ClinVar aggregate classification (germline): Likely benign (0 of 4 stars; one submission).

Conditions:
AKR1D1-related disorder. Also called: AKR1D1-related condition.

gnomAD v4.1: 1 of 1,613,704 alleles (0.000062%); highest among the groups gnomAD compares: African/African-American, 0.0013%; no homozygotes.

Submission:

PreventionGenetics, part of Exact Sciences
Classification: Likely benign for AKR1D1-related condition. Last evaluated: 2022-06-30. Review status: no assertion criteria provided. Collection method: clinical testing. Allele origin: germline.
Comment: This variant is classified as likely benign based on ACMG/AMP sequence variant interpretation guidelines (Richards et al. 2015 PMID: 25741868, with internal and published modifications).

NM_005989.4(AKR1D1):c.579+6G>A

Gene: AKR1D1 (aldo-keto reductase family 1 member D1; plus strand). Cytogenetic location: 7q33.
Variant type: single nucleotide variant.
Coding change: c.579+6G>A on transcript NM_005989.4 (MANE Select); 6 bases into the intron after coding-DNA position 579, G replaced by A.
Molecular consequence: intron variant.
Genome position (GRCh38, 1-based): chr7:138,105,435, G>A. VCF-style: chr7-138105435-G-A. GRCh37 (hg19) VCF-style: chr7-137790181-G-A.
Other names: c.579+6G>A (NM_001190907.2); c.457-1173G>A (NM_001190906.2).
Identifiers: ClinVar variation 3054961 (VCV003054961.2), dbSNP rs200096959, ClinGen allele CA578193267.